The following is an entry in ClinVar:

NM_002496.4(NDUFS8):c.269C>T (p.Pro90Leu)

Gene: NDUFS8 (NADH:ubiquinone oxidoreductase core subunit S8; plus strand). Cytogenetic location: 11q13.2.
Variant type: single nucleotide variant.
Coding change: c.269C>T on transcript NM_002496.4 (MANE Select); coding-DNA position 269, C replaced by T.
Protein change: p.Pro90Leu; replaces proline 90 with leucine.
Molecular consequence: missense variant.
Genome position (GRCh38, 1-based): chr11:68,033,180, C>T. VCF-style: chr11-68033180-C-T. GRCh37 (hg19) VCF-style: chr11-67800647-C-T.
Other names: c.269C>T (NM_002496.2); short protein forms P90L.
Identifiers: ClinVar variation 882092 (VCV000882092.5), dbSNP rs746246241, ClinGen allele CA6146434.

ClinVar aggregate classification (germline): Uncertain significance. Review status: criteria provided, multiple submitters, no conflicts (2 of 4 stars). 3 submissions from 2 submitters: Uncertain significance (3). Last evaluated 2026-04-02.

Conditions:
Leigh syndrome (NULS). Also called: Leigh's necrotizing encephalopathy; Leigh's disease; Leigh Disease; LEIGH SYNDROME, NUCLEAR; Leigh Syndrome (mtDNA deletion); Leigh's syndrome. Identifiers: Orphanet 506, MedGen C2931891, MONDO:0009723, OMIM 256000.
Mitochondrial complex I deficiency, nuclear type 1. Also called: NADH-COENZYME Q REDUCTASE DEFICIENCY; MITOCHONDRIAL NADH DEHYDROGENASE COMPONENT OF COMPLEX I, DEFICIENCY OF. Identifiers: MedGen C6022305, MONDO:0100224, OMIM 252010.

Allele frequency attached by ClinVar (database versions not stated): ExAC below 0.00001; TOPMed 0.00001.
gnomAD v4.1: 5 of 1,612,394 alleles (0.00031%); highest among the groups gnomAD compares: East Asian, 0.0089%; no homozygotes.

Submissions (3):

GeneDx
Classification: Uncertain significance. Last evaluated: 2026-04-02. Review status: criteria provided, single submitter. Criteria: GeneDx Variant Classification Process June 2021. Collection method: clinical testing. Allele origin: germline.
Comment: Not observed at significant frequency in large population cohorts (gnomAD); In silico analysis supports that this missense variant has a deleterious effect on protein structure/function; Has not been previously published as pathogenic or benign to our knowledge

Illumina Laboratory Services, Illumina
Classification: Uncertain significance for Leigh syndrome. Last evaluated: 2018-01-12. Review status: criteria provided, single submitter. Criteria: ICSL Variant Classification Criteria 13 December 2019. Collection method: clinical testing. Allele origin: germline.

Illumina Laboratory Services, Illumina
Classification: Uncertain significance for Mitochondrial complex I deficiency, nuclear type 1. Last evaluated: 2018-01-12. Review status: criteria provided, single submitter. Criteria: ICSL Variant Classification Criteria 13 December 2019. Collection method: clinical testing. Allele origin: germline.